The following is an entry in ClinVar:

NM_022454.4(SOX17):c.451G>A (p.Val151Met)

Gene: SOX17 (SRY-box transcription factor 17; plus strand). Cytogenetic location: 8q11.23.
Variant type: single nucleotide variant.
Coding change: c.451G>A on transcript NM_022454.4 (MANE Select); coding-DNA position 451, G replaced by A.
Protein change: p.Val151Met; replaces valine 151 with methionine.
Molecular consequence: missense variant.
Genome position (GRCh38, 1-based): chr8:54,459,201, G>A. VCF-style: chr8-54459201-G-A. GRCh37 (hg19) VCF-style: chr8-55371761-G-A.
Other names: short protein forms V151M.
Identifiers: ClinVar variation 2868258 (VCV002868258.3), dbSNP rs371869514, ClinGen allele CA177527792.

ClinVar aggregate classification (germline): Uncertain significance (1 of 4 stars; one submission).

Allele frequency attached by ClinVar (database versions not stated): gnomAD 0.00001; TOPMed 0.00003; ESP Exome Variant Server 0.00008.

Submission:

Labcorp Genetics (formerly Invitae), Labcorp
Classification: Uncertain significance. Last evaluated: 2024-01-28. Review status: criteria provided, single submitter. Criteria: Invitae Variant Classification Sherloc (09022015). Collection method: clinical testing. Allele origin: germline.
Comment: This sequence change replaces valine, which is neutral and non-polar, with methionine, which is neutral and non-polar, at codon 151 of the SOX17 protein (p.Val151Met). The frequency data for this variant in the population databases is considered unreliable, as metrics indicate poor data quality at this position in the gnomAD database. This variant has not been reported in the literature in individuals affected with SOX17-related conditions. Advanced modeling of protein sequence and biophysical properties (such as structural, functional, and spatial information, amino acid conservation, physicochemical variation, residue mobility, and thermodynamic stability) performed at Invitae indicates that this missense variant is not expected to disrupt SOX17 protein function with a negative predictive value of 80%. In summary, the available evidence is currently insufficient to determine the role of this variant in disease. Therefore, it has been classified as a Variant of Uncertain Significance.